The following is an entry in ClinVar:

ClinVar aggregate classification (germline): Uncertain significance (1 of 4 stars; one submission).

Conditions:
Developmental and epileptic encephalopathy, 37 (DEE37). Also called: Epileptic encephalopathy, early infantile, 37. Identifiers: MedGen C4310770, MONDO:0014859, OMIM 616981.

Submission:

Kasturba Medical College, Manipal, Kasturba Medical College, Manipal, Manipal Academy of Higher Education, Manipal, India
Classification: Uncertain significance for Developmental and epileptic encephalopathy, 37. Last evaluated: 2026-07-02. Review status: criteria provided, single submitter. Criteria: ACMG Guidelines, 2015. Collection method: research. Allele origin: biparental. Inheritance: Autosomal recessive inheritance. Affected: yes. Observed: 1 variant allele, 1 homozygote.
Comment: This variant is present in one individual in a heterozygous state and absent in a homozygous state in the gnomAD (v4.1.0) population database. The same variant is present in one individual in a heterozygous state and absent in a homozygous state in our in-house database of 4303 exomes. In-silico prediction tools (REVEL, CADD_phred) are consistent in predicting the variant to be damaging to the FRRS1L protein function.

NM_014334.4(FRRS1L):c.484T>C (p.Cys162Arg)

Gene: FRRS1L (ferric chelate reductase 1 like; minus strand). Cytogenetic location: 9q31.3.
Variant type: single nucleotide variant.
Coding change: c.484T>C on transcript NM_014334.4 (MANE Select); coding-DNA position 484, T replaced by C.
Protein change: p.Cys162Arg; replaces cysteine 162 with arginine.
Molecular consequence: missense variant.
Genome position (GRCh38, 1-based): chr9:109,141,568, A>G on the plus strand (T>C on the coding strand, the complement: FRRS1L is on the minus strand). VCF-style: chr9-109141568-A-G. GRCh37 (hg19) VCF-style: chr9-111903848-A-G.
Other names: short protein forms C162R.
Identifiers: ClinVar variation 4857671 (VCV004857671.1).